The following is an entry in ClinVar:

ClinVar aggregate classification (germline): Uncertain significance. Review status: criteria provided, multiple submitters, no conflicts (2 of 4 stars). 5 submissions from 5 submitters: Uncertain significance (4). 1 of the submissions does not count toward it. Last evaluated 2025-08-26.

Conditions:
Cystic fibrosis (CF). Also called: MUCOVISCIDOSIS. Identifiers: Orphanet 586, MedGen C0010674, MONDO:0009061, OMIM 219700. Disease mechanism: loss of function.
CFTR-related disorder (CFTR-RD). Also called: CFTR-related condition; CFTR-related disorders. Identifiers: MedGen C5924204, MONDO:7770004.

Allele frequency attached by ClinVar (database versions not stated): gnomAD exomes 0.00002 and 0.00001; ExAC 0.00001; gnomAD 0.00001; ESP Exome Variant Server 0.00008.
gnomAD v4.1: 36 of 1,601,378 alleles (0.0022%); highest among the groups gnomAD compares: Non-Finnish European, 0.0029%; no homozygotes.

Submissions (5):

Ambry Genetics
Classification: Uncertain significance for Cystic fibrosis. Last evaluated: 2025-08-26. Review status: criteria provided, single submitter. Criteria: Ambry Variant Classification Scheme 2023. Collection method: clinical testing. Allele origin: germline.
Comment: The p.F1413L variant (also known as c.4237T>C), located in coding exon 26 of the CFTR gene, results from a T to C substitution at nucleotide position 4237. The phenylalanine at codon 1413 is replaced by leucine, an amino acid with highly similar properties. This amino acid position is highly conserved in available vertebrate species. In addition, this alteration is predicted to be deleterious by in silico analysis. Since supporting evidence is limited at this time, the clinical significance of this alteration remains unclear.

Labcorp Genetics (formerly Invitae), Labcorp
Classification: Uncertain significance for Cystic fibrosis. Last evaluated: 2025-04-20. Review status: criteria provided, single submitter. Criteria: Invitae Variant Classification Sherloc (09022015). Collection method: clinical testing. Allele origin: germline.
Comment: This sequence change replaces phenylalanine, which is neutral and non-polar, with leucine, which is neutral and non-polar, at codon 1413 of the CFTR protein (p.Phe1413Leu). This variant is present in population databases (rs142092183, gnomAD 0.002%). This variant has not been reported in the literature in individuals affected with CFTR-related conditions. ClinVar contains an entry for this variant (Variation ID: 853528). Invitae Evidence Modeling of protein sequence and biophysical properties (such as structural, functional, and spatial information, amino acid conservation, physicochemical variation, residue mobility, and thermodynamic stability) indicates that this missense variant is expected to disrupt CFTR protein function with a positive predictive value of 80%. In summary, the available evidence is currently insufficient to determine the role of this variant in disease. Therefore, it has been classified as a Variant of Uncertain Significance.

Genome-Nilou Lab
Classification: Uncertain significance for Cystic fibrosis. Last evaluated: 2021-09-05. Review status: criteria provided, single submitter. Criteria: ACMG Guidelines, 2015. Collection method: clinical testing. Allele origin: germline. Affected: no.

Women's Health and Genetics/Laboratory Corporation of America, LabCorp
Classification: Uncertain significance. Last evaluated: 2020-06-18. Review status: criteria provided, single submitter. Criteria: LabCorp Variant Classification Summary - May 2015. Collection method: clinical testing. Allele origin: germline.
Comment: Variant summary: CFTR c.4237T>C (p.Phe1413Leu) results in a non-conservative amino acid change in the encoded protein sequence. Three of five in-silico tools predict a benign effect of the variant on protein function. The variant allele was found at a frequency of 8e-06 in 250714 control chromosomes. The available data on variant occurrences in the general population are insufficient to allow any conclusion about variant significance. To our knowledge, no occurrence of c.4237T>C in individuals affected with Chronic Pancreatitis Risk and no experimental evidence demonstrating its impact on protein function have been reported. One clinical diagnostic laboratory has submitted clinical-significance assessments for this variant to ClinVar after 2014 without evidence for independent evaluation. One laboratory classified the variant as uncertain significance. Based on the evidence outlined above, the variant was classified as uncertain significance.

Natera, Inc.
Classification: Uncertain significance for CFTR-related disorders. Last evaluated: 2018-06-28. Review status: no assertion criteria provided. Collection method: clinical testing. Allele origin: germline. Not counted in ClinVar's aggregate classification.

NM_000492.4(CFTR):c.4237T>C (p.Phe1413Leu)

Gene: CFTR (CF transmembrane conductance regulator; plus strand). Cytogenetic location: 7q31.2.
Variant type: single nucleotide variant.
Coding change: c.4237T>C on transcript NM_000492.4 (MANE Select); coding-DNA position 4237, T replaced by C.
Protein change: p.Phe1413Leu; replaces phenylalanine 1413 with leucine.
Molecular consequence: missense variant.
Genome position (GRCh38, 1-based): chr7:117,665,559, T>C. VCF-style: chr7-117665559-T-C. GRCh37 (hg19) VCF-style: chr7-117305613-T-C.
Other names: short protein forms F1413L.
Identifiers: ClinVar variation 853528 (VCV000853528.13), dbSNP rs142092183, ClinGen allele CA4451666.